The following is an entry in ClinVar:

ClinVar aggregate classification (germline): Uncertain significance. Review status: criteria provided, multiple submitters, no conflicts (2 of 4 stars). 10 submissions from 9 submitters: Uncertain significance (10). Last evaluated 2026-04-30.

Conditions:
Wolfram syndrome 1 (WFS1). Identifiers: Orphanet 3463, MedGen C4551693, MONDO:0009101, OMIM 222300.
Autosomal dominant nonsyndromic hearing loss 6 (LFSNHL). Also called: Autosomal dominant nonsyndromic deafness 6; DEAFNESS, AUTOSOMAL DOMINANT 14; DEAFNESS, AUTOSOMAL DOMINANT 38; DEAFNESS, AUTOSOMAL DOMINANT 6. Identifiers: Orphanet 90635, MedGen C1833021, MONDO:0010963, OMIM 600965.
Type 2 diabetes mellitus. Also called: Type II diabetes mellitus. Identifiers: MedGen C0011860, MeSH D003924, MONDO:0005148, OMIM 125853, HP:0005978.
Wolfram-like syndrome. Also called: HEARING LOSS, PROGRESSIVE, WITH OPTIC ATROPHY AND/OR IMPAIRED GLUCOSE REGULATION. Identifiers: Orphanet 411590, MedGen C3280358, MONDO:0013673, OMIM 614296.
Cataract 41 (CTRCT41). Also called: CATARACT 41, CONGENITAL NUCLEAR TYPE. Identifiers: Orphanet 91492, Orphanet 98991, Orphanet 98992, Orphanet 98995, MedGen C3805412, MONDO:0007287, OMIM 116400.
WFS1-related disorder. Identifiers: MedGen CN379391, MONDO:0700293.
WFS1-Related Spectrum Disorders.

Allele frequency attached by ClinVar (database versions not stated): TOPMed 0.00011; gnomAD 0.00013 and 0.00014; ESP Exome Variant Server 0.00031.
gnomAD v4.1: 175 of 1,613,986 alleles (0.011%); highest among the groups gnomAD compares: Middle Eastern, 0.099%; no homozygotes.

Submissions (10):

Laboratory of Molecular, Cellular and Translation Genetics in Otolaryngology/ Lim32-hcfmusp, University of Sao Paulo School of Medicine Clinics Hospital
Classification: Uncertain significance for Autosomal dominant nonsyndromic hearing loss 6. Last evaluated: 2026-04-30. Review status: criteria provided, single submitter. Criteria: ACMG Guidelines, 2015. Collection method: research. Allele origin: germline. Affected: yes.
Comment: NM_006005.3:c.1831C>T :p.(Arg611Cys). This variant has been classified as a variant of uncertain significance (VUS). It is rare in population databases (PM2_supporting), and in silico prediction tools support a deleterious effect on protein function (PP3). However, the available evidence is insufficient to establish a causal role for this variant in the observed phenotype as described in PMID: 42233699.

GeneDx
Classification: Uncertain significance. Last evaluated: 2025-10-08. Review status: criteria provided, single submitter. Criteria: GeneDx Variant Classification Process June 2021. Collection method: clinical testing. Allele origin: germline. Affected: yes.
Comment: Identified in the heterozygous state in a patient with autosomal dominant non-syndromic hearing loss, however, no additional information regarding this patient's hearing loss or family history was provided (PMID: 26969326); Identified in the heterozygous state in a patient with optic atrophy and tremor, however, additional clinical features and segregation information were not included for this patient (PMID: 29563951); In silico analysis supports that this missense variant has a deleterious effect on protein structure/function; This variant is associated with the following publications: (PMID: 34426522, 29529044, 30476936, 26969326, 29563951)

PreventionGenetics, part of Exact Sciences
Classification: Uncertain significance for WFS1-related condition. Last evaluated: 2024-10-21. Review status: criteria provided, single submitter. Criteria: ACMG Guidelines, 2015. Collection method: clinical testing. Allele origin: germline.
Comment: The WFS1 c.1831C>T variant is predicted to result in the amino acid substitution p.Arg611Cys. This variant was reported in the heterozygous state in an individual with non-syndromic hearing loss (Table S3, Patient #440, Sloan-Heggen et al. 2016. PubMed ID: 26969326) and in the heterozygous state in an individual with optic atrophy and tremor (Patient 2, Galvez-Ruiz et al. 2017. PubMed ID: 29563951). This variant is reported in 0.029% of alleles in individuals of South Asian descent in gnomAD. At this time, the clinical significance of this variant is uncertain due to the absence of conclusive functional and genetic evidence.

Labcorp Genetics (formerly Invitae), Labcorp
Classification: Uncertain significance. Last evaluated: 2024-10-18. Review status: criteria provided, single submitter. Criteria: Invitae Variant Classification Sherloc (09022015). Collection method: clinical testing. Allele origin: germline.
Comment: This sequence change replaces arginine, which is basic and polar, with cysteine, which is neutral and slightly polar, at codon 611 of the WFS1 protein (p.Arg611Cys). This variant is present in population databases (rs144993516, gnomAD 0.03%). This missense change has been observed in individual(s) with clinical features of WFS1-related conditions (PMID: 29563951). ClinVar contains an entry for this variant (Variation ID: 907591). Invitae Evidence Modeling of protein sequence and biophysical properties (such as structural, functional, and spatial information, amino acid conservation, physicochemical variation, residue mobility, and thermodynamic stability) indicates that this missense variant is not expected to disrupt WFS1 protein function with a negative predictive value of 95%. In summary, the available evidence is currently insufficient to determine the role of this variant in disease. Therefore, it has been classified as a Variant of Uncertain Significance.

Blueprint Genetics
Classification: Uncertain significance. Last evaluated: 2024-09-09. Review status: criteria provided, single submitter. Criteria: ACMG Guidelines, 2015. Collection method: clinical testing. Allele origin: germline.

Fulgent Genetics
Classification: Uncertain significance for Cataract 41; Type 2 diabetes mellitus; Wolfram syndrome 1; Autosomal dominant nonsyndromic hearing loss 6; Wolfram-like syndrome. Last evaluated: 2024-04-04. Review status: criteria provided, single submitter. Criteria: ACMG Guidelines, 2015. Collection method: clinical testing. Allele origin: germline.

Mayo Clinic Laboratories, Mayo Clinic
Classification: Uncertain significance. Last evaluated: 2023-12-22. Review status: criteria provided, single submitter. Criteria: ACMG Guidelines, 2015. Collection method: clinical testing. Allele origin: germline. Observed: 1 variant allele.

Revvity Omics, Revvity
Classification: Uncertain significance. Last evaluated: 2021-01-06. Review status: criteria provided, single submitter. Criteria: ACMG Guidelines, 2015. Collection method: clinical testing. Allele origin: germline.

Illumina Laboratory Services, Illumina
Classification: Uncertain significance for Autosomal dominant nonsyndromic hearing loss 6. Last evaluated: 2018-01-12. Review status: criteria provided, single submitter. Criteria: ICSL Variant Classification Criteria 13 December 2019. Collection method: clinical testing. Allele origin: germline.

Illumina Laboratory Services, Illumina
Classification: Uncertain significance for WFS1-Related Spectrum Disorders. Last evaluated: 2018-01-12. Review status: criteria provided, single submitter. Criteria: ICSL Variant Classification Criteria 13 December 2019. Collection method: clinical testing. Allele origin: germline.

Literature cited by the submitters: PubMed 29529044 (cited by Laboratory of Molecular, Cellular and Translation Genetics in Otolaryngology/ Lim32-hcfmusp, University of Sao Paulo School of Medicine Clinics Hospital and Mayo Clinic Laboratories, Mayo Clinic); PubMed 29563951 (cited by 3 submitters); PubMed 42233699 (cited by Laboratory of Molecular, Cellular and Translation Genetics in Otolaryngology/ Lim32-hcfmusp, University of Sao Paulo School of Medicine Clinics Hospital); PubMed 26969326 (cited by Mayo Clinic Laboratories, Mayo Clinic); PubMed 30476936 (cited by Mayo Clinic Laboratories, Mayo Clinic); PubMed 34426522 (cited by Mayo Clinic Laboratories, Mayo Clinic).

NM_006005.3(WFS1):c.1831C>T (p.Arg611Cys)

Gene: WFS1 (wolframin ER transmembrane glycoprotein; plus strand). Cytogenetic location: 4p16.1.
Variant type: single nucleotide variant.
Coding change: c.1831C>T on transcript NM_006005.3 (MANE Select); coding-DNA position 1831, C replaced by T.
Protein change: p.Arg611Cys; replaces arginine 611 with cysteine.
Molecular consequence: missense variant.
Genome position (GRCh38, 1-based): chr4:6,301,626, C>T. VCF-style: chr4-6301626-C-T. GRCh37 (hg19) VCF-style: chr4-6303353-C-T.
Other names: p.Arg611Cys; c.1831C>T, p.Arg611Cys (NM_001145853.1); short protein forms R611C.
Identifiers: ClinVar variation 907591 (VCV000907591.24), dbSNP rs144993516, ClinGen allele CA2839511.